The following is an entry in ClinVar:

NM_000051.4(ATM):c.650_651dup (p.Gln218fs)

Gene: ATM (ATM serine/threonine kinase; plus strand). Cytogenetic location: 11q22.3.
Variant type: Duplication.
Coding change: c.650_651dup on transcript NM_000051.4 (MANE Select); coding-DNA positions 650 to 651, 2 bases duplicated (TT; older notation c.650_651dupTT).
Protein change: p.Gln218fs; shifts the reading frame from glutamine 218.
Molecular consequence: frameshift variant.
Genome position (GRCh38, 1-based): chr11:108,244,106-108,244,107, TT duplicated. VCF-style (leftmost placement, unchanged base first): chr11-108244105-A-ATT. GRCh37 (hg19) VCF-style: chr11-108114832-A-ATT.
Other names: c.650_651dup, p.Gln218fs (NM_001351834.2); short protein forms Q218fs.
Identifiers: ClinVar variation 924846 (VCV000924846.3), dbSNP rs2079709372, ClinGen allele CA1139662269.
Genomic context (GRCh38, chr11:108,244,105, plus strand): 5'-GGATGCTGTTCTCAGACTGACGGATTAAATTCCAAATTTTTGGACTTTTTTTCCAAGGCT[A>ATT]TTCAGTGTGCGAGGTAATCTAATCTCTTTTTCTTTTGTTTTGTATTGAAATACTTTTGAT-3'

ClinVar aggregate classification (germline): Pathogenic (1 of 4 stars; one submission).

Conditions:
Hereditary cancer-predisposing syndrome. Also called: Neoplastic Syndromes, Hereditary; Tumor predisposition; Hereditary Cancer Syndrome; Hereditary neoplastic syndrome. Identifiers: Orphanet 140162, MedGen C0027672, MeSH D009386, MONDO:0015356.

Submission:

Color Diagnostics, LLC DBA Color Health
Classification: Pathogenic for Hereditary cancer-predisposing syndrome. Last evaluated: 2020-01-02. Review status: criteria provided, single submitter. Criteria: ACMG Guidelines, 2015. Collection method: clinical testing. Allele origin: germline.
Comment: This variant inserts 2 nucleotides in exon 6 of the ATM gene, creating a frameshift and premature translation stop signal. This variant is expected to result in an absent or non-functional protein product. Splice site prediction tools suggest that this variant may not impact RNA splicing. To our knowledge, functional studies have not been performed for this variant. This variant has not been reported in individuals affected with hereditary cancer in the literature. This variant has not been identified in the general population by the Genome Aggregation Database (gnomAD). Loss of ATM function is a known mechanism of disease. Based on the available evidence, this variant is classified as Pathogenic.